The following is an entry in ClinVar:

ClinVar aggregate classification (germline): Uncertain significance (1 of 4 stars; one submission).

Submission:

Labcorp Genetics (formerly Invitae), Labcorp
Classification: Uncertain significance. Last evaluated: 2025-09-04. Review status: criteria provided, single submitter. Criteria: Invitae Variant Classification Sherloc (09022015). Collection method: clinical testing. Allele origin: germline.
Comment: This sequence change replaces methionine, which is neutral and non-polar, with threonine, which is neutral and polar, at codon 333 of the FSCN2 protein (p.Met333Thr). The frequency data for this variant in the population databases is considered unreliable, as metrics indicate poor data quality at this position in the gnomAD database. This variant has not been reported in the literature in individuals affected with FSCN2-related conditions. An algorithm developed to predict the effect of missense changes on protein structure and function (PolyPhen-2) suggests that this variant is likely to be disruptive. In summary, the available evidence is currently insufficient to determine the role of this variant in disease. Therefore, it has been classified as a Variant of Uncertain Significance.

NM_012418.4(FSCN2):c.998T>C (p.Met333Thr)

Gene: FSCN2 (fascin actin-bundling protein 2, retinal; plus strand). Cytogenetic location: 17q25.3.
Variant type: single nucleotide variant.
Coding change: c.998T>C on transcript NM_012418.4 (MANE Select); coding-DNA position 998, T replaced by C.
Protein change: p.Met333Thr; replaces methionine 333 with threonine.
Molecular consequence: missense variant.
Genome position (GRCh38, 1-based): chr17:81,536,160, T>C. VCF-style: chr17-81536160-T-C. GRCh37 (hg19) VCF-style: chr17-79503186-T-C.
Other names: c.998T>C, p.Met333Thr (NM_001077182.3); short protein forms M333T.
Identifiers: ClinVar variation 4701106 (VCV004701106.1).